The following is an entry in ClinVar:

ClinVar aggregate classification (germline): Pathogenic/Likely pathogenic. Review status: criteria provided, multiple submitters, no conflicts (2 of 4 stars). 5 submissions from 5 submitters: Pathogenic (2); Likely pathogenic (1). 2 of the submissions do not count toward it. Last evaluated 2025-12-02.

Conditions:
PRPH2-related disorder. Also called: PRPH2-related disorders; PRPH2-related condition. Identifiers: MedGen CN239395.
Retinitis pigmentosa (RP). Identifiers: Orphanet 791, MedGen C0035334, MeSH D012174, MONDO:0019200, OMIM 268000. Inheritance: Autosomal dominant, autosomal recessive and X linked inheritance.
Retinitis pigmentosa 7 (RP7). Identifiers: Orphanet 791, MedGen C1842475, MONDO:0011974, OMIM 608133.

Submissions (5):

Labcorp Genetics (formerly Invitae), Labcorp
Classification: Pathogenic for PRPH2-related disorder. Last evaluated: 2025-12-02. Review status: criteria provided, single submitter. Criteria: Invitae Variant Classification Sherloc (09022015). Collection method: clinical testing. Allele origin: germline.
Comment: This sequence change replaces glycine, which is neutral and non-polar, with aspartic acid, which is acidic and polar, at codon 137 of the PRPH2 protein (p.Gly137Asp). This variant is not present in population databases (gnomAD no frequency). This missense change has been observed in individuals with autosomal dominant retinitis pigmentosa (PMID: 18310263, 30217183; internal data). ClinVar contains an entry for this variant (Variation ID: 143069). Invitae Evidence Modeling of protein sequence and biophysical properties (such as structural, functional, and spatial information, amino acid conservation, physicochemical variation, residue mobility, and thermodynamic stability) indicates that this missense variant is expected to disrupt PRPH2 protein function with a positive predictive value of 95%. For these reasons, this variant has been classified as Pathogenic.

3billion
Classification: Pathogenic for Retinitis pigmentosa 7. Last evaluated: 2024-07-11. Review status: criteria provided, single submitter. Criteria: ACMG Guidelines, 2015. Collection method: clinical testing. Allele origin: germline. Affected: yes.
Comment: The variant is not observed in the gnomAD v4.0.0 dataset. Predicted Consequence/Location: Missense variant In silico tool predictions suggest damaging effect of the variant on gene or gene product [REVEL: 0.66 (>=0.6, sensitivity 0.68 and specificity 0.92); 3Cnet: 0.87 (>=0.6, sensitivity 0.72 and precision 0.9)]. The same nucleotide change resulting in the same amino acid change has been previously reported as pathogenic/likely pathogenic with strong evidence (ClinVar ID: VCV000143069 /PMID: 18310263 /3billion dataset). The variant has been observed in at least two similarly affected unrelated individuals (PMID: 18310263, 30217183). A different missense change at the same codon (p.Gly137Arg) has been reported to be associated with PRPH2-related disorder (ClinVar ID: VCV003027752). Therefore, this variant is classified as Pathogenic according to the recommendation of ACMG/AMP guideline.

Blueprint Genetics
Classification: Likely pathogenic for PRPH2-related disorders. Last evaluated: 2019-01-29. Review status: criteria provided, single submitter. Criteria: ACMG Guidelines, 2015. Collection method: clinical testing. Allele origin: germline. Affected: yes. Observed: 1 variant allele.

Leiden Open Variation Database
Classification: Uncertain significance. Last evaluated: 2021-04-06. Review status: no assertion criteria provided. Collection method: curation. Allele origin: germline. Affected: yes. Not counted in ClinVar's aggregate classification.
Comment: Curator: Global Variome, with Curator vacancy. Submitter to LOVD: Manon Peeters.

Department of Ophthalmology and Visual Sciences Kyoto University
Classification: Pathogenic for Retinitis pigmentosa. Review status: no assertion criteria provided. Collection method: not provided. Allele origin: unknown. Not counted in ClinVar's aggregate classification.
ClinVar note: Converted during submission from pathogenic to Pathogenic.

Literature cited by the submitters: PubMed 18310263 (cited by 3 submitters); PubMed 30217183 (cited by 3 submitters); PubMed 25324289 (cited by Leiden Open Variation Database).

NM_000322.5(PRPH2):c.410G>A (p.Gly137Asp)

Gene: PRPH2 (peripherin 2; minus strand). Cytogenetic location: 6p21.1.
Variant type: single nucleotide variant.
Coding change: c.410G>A on transcript NM_000322.5 (MANE Select); coding-DNA position 410, G replaced by A.
Protein change: p.Gly137Asp; replaces glycine 137 with aspartic acid.
Molecular consequence: missense variant.
Genome position (GRCh38, 1-based): chr6:42,721,925, C>T on the plus strand (G>A on the coding strand, the complement: PRPH2 is on the minus strand). VCF-style: chr6-42721925-C-T. GRCh37 (hg19) VCF-style: chr6-42689663-C-T.
Other names: short protein forms G137D.
Identifiers: ClinVar variation 143069 (VCV000143069.14), dbSNP rs527236097, ClinGen allele CA270013.